The following is an entry in ClinVar:

ClinVar aggregate classification (germline): Uncertain significance (1 of 4 stars; one submission).

Submission:

Labcorp Genetics (formerly Invitae), Labcorp
Classification: Uncertain significance. Last evaluated: 2023-01-22. Review status: criteria provided, single submitter. Criteria: Invitae Variant Classification Sherloc (09022015). Collection method: clinical testing. Allele origin: germline.
Comment: In summary, the available evidence is currently insufficient to determine the role of this variant in disease. Therefore, it has been classified as a Variant of Uncertain Significance. Algorithms developed to predict the effect of missense changes on protein structure and function are either unavailable or do not agree on the potential impact of this missense change (SIFT: "Tolerated"; PolyPhen-2: "Not Available"; Align-GVGD: "Class C0"). This variant has not been reported in the literature in individuals affected with MCM4-related conditions. This variant is not present in population databases (gnomAD no frequency). This sequence change replaces proline, which is neutral and non-polar, with alanine, which is neutral and non-polar, at codon 4 of the MCM4 protein (p.Pro4Ala).

NM_182746.3(MCM4):c.10C>G (p.Pro4Ala)

Genes: MCM4 (minichromosome maintenance complex component 4; plus strand), LOC130000338 (ATAC-STARR-seq lymphoblastoid silent region 19178; plus strand). Cytogenetic location: 8q11.21.
Variant type: single nucleotide variant.
Coding change: c.10C>G on transcript NM_182746.3 (MANE Select); coding-DNA position 10, C replaced by G.
Protein change: p.Pro4Ala; replaces proline 4 with alanine.
Molecular consequence: missense variant.
Genome position (GRCh38, 1-based): chr8:47,961,154, C>G. VCF-style: chr8-47961154-C-G. GRCh37 (hg19) VCF-style: chr8-48873714-C-G.
Other names: c.10C>G, p.Pro4Ala (NM_005914.4); short protein forms P4A.
Identifiers: ClinVar variation 2831022 (VCV002831022.3), dbSNP rs2551883065, ClinGen allele CA371143294.